The following is an entry in ClinVar:

ClinVar aggregate classification (germline): Pathogenic/Likely pathogenic. Review status: criteria provided, multiple submitters, no conflicts (2 of 4 stars). 3 submissions from 3 submitters: Pathogenic (2); Likely pathogenic (1). Last evaluated 2024-09-17.

Conditions:
Hereditary cancer-predisposing syndrome. Also called: Tumor predisposition; Neoplastic Syndromes, Hereditary; Hereditary Cancer Syndrome; Hereditary neoplastic syndrome. Identifiers: Orphanet 140162, MedGen C0027672, MeSH D009386, MONDO:0015356.
Familial cancer of breast. Also called: Hereditary breast cancer; BREAST CANCER, FAMILIAL; hereditary breast carcinoma. Identifiers: Orphanet 227535, MedGen C0346153, MONDO:0016419, OMIM 114480. Disease mechanism: loss of function.

Submissions (3):

Ambry Genetics
Classification: Pathogenic for Hereditary cancer-predisposing syndrome. Last evaluated: 2024-09-17. Review status: criteria provided, single submitter. Criteria: Ambry Variant Classification Scheme 2023. Collection method: clinical testing. Allele origin: germline.
Comment: The c.1284delA pathogenic mutation, located in coding exon 4 of the BARD1 gene, results from a deletion of one nucleotide at nucleotide position 1284, causing a translational frameshift with a predicted alternate stop codon (p.E429Rfs*46). This variant is considered to be rare based on population cohorts in the Genome Aggregation Database (gnomAD). This alteration is expected to result in loss of function by premature protein truncation or nonsense-mediated mRNA decay. As such, this alteration is interpreted as a disease-causing mutation.

Labcorp Genetics (formerly Invitae), Labcorp
Classification: Pathogenic for Familial cancer of breast. Last evaluated: 2024-04-16. Review status: criteria provided, single submitter. Criteria: Invitae Variant Classification Sherloc (09022015). Collection method: clinical testing. Allele origin: germline.
Comment: This sequence change creates a premature translational stop signal (p.Glu429Argfs*46) in the BARD1 gene. It is expected to result in an absent or disrupted protein product. Loss-of-function variants in BARD1 are known to be pathogenic (PMID: 20077502, 21344236). This variant is not present in population databases (gnomAD no frequency). This variant has not been reported in the literature in individuals affected with BARD1-related conditions. ClinVar contains an entry for this variant (Variation ID: 243116). Algorithms developed to predict the effect of sequence changes on RNA splicing suggest that this variant may disrupt the consensus splice site. For these reasons, this variant has been classified as Pathogenic.

GeneDx
Classification: Likely pathogenic. Last evaluated: 2017-09-14. Review status: criteria provided, single submitter. Criteria: GeneDx Variant Classification (06012015). Collection method: clinical testing. Allele origin: germline. Affected: yes.
Comment: This deletion of one nucleotide in BARD1 is denoted c.1284delA at the cDNA level and p.Glu429ArgfsX46 (E429RfsX46) at the protein level. The normal sequence, with the bases that are deleted in brackets, is GAGG[delA]GAGA. The deletion causes a frameshift, which changes a Glutamic Acid to an Arginine at codon 429 and creates a premature stop codon at position 46 of the new reading frame. Although this variant has not, to our knowledge, been reported in the literature, it is predicted to cause loss of normal protein function through either protein truncation or nonsense-mediated mRNA decay. Based on the currently available information, we consider BARD1 c.1284delA to be a likely pathogenic variant.

Literature cited by the submitters: PubMed 20077502 (cited by Labcorp Genetics (formerly Invitae), Labcorp); PubMed 21344236 (cited by Labcorp Genetics (formerly Invitae), Labcorp).

NM_000465.4(BARD1):c.1284del (p.Glu429fs)

Gene: BARD1 (BRCA1 associated RING domain 1; minus strand). Cytogenetic location: 2q35.
Variant type: Deletion.
Coding change: c.1284del on transcript NM_000465.4 (MANE Select); coding-DNA position 1284, one base deleted (A; older notation c.1284delA).
Protein change: p.Glu429fs; shifts the reading frame from glutamic acid 429.
Molecular consequence: frameshift variant. On other transcripts: non-coding transcript variant (2), intron variant (3).
Genome position (GRCh38, 1-based): chr2:214,780,590, T deleted on the plus strand (A on the coding strand, the reverse complement: BARD1 is on the minus strand). VCF-style (leftmost placement, unchanged base first): chr2-214780589-CT-C. GRCh37 (hg19) VCF-style: chr2-215645313-CT-C.
Other names: c.1227del, p.Glu410fs (NM_001282543.2); c.159-28035del (NM_001282548.2); c.215+16471del (NM_001282545.2); c.364+11707del (NM_001282549.2); short protein forms E429fs, E410fs.
Identifiers: ClinVar variation 243116 (VCV000243116.5), dbSNP rs879253879, ClinGen allele CA10584178.